The following is an entry in ClinVar:

ClinVar aggregate classification (germline): Uncertain significance. Review status: criteria provided, single submitter (1 of 4 stars). 2 submissions from 2 submitters: Uncertain significance (1). 1 of the submissions does not count toward it. Last evaluated 2023-02-23.

Conditions:
ABCC2-related disorder. Also called: ABCC2-related condition.
Dubin-Johnson syndrome (DJS). Also called: HYPERBILIRUBINEMIA, DUBIN-JOHNSON TYPE; Jaundice, Chronic Idiopathic; Hyperbilirubinemia type 2. Identifiers: Orphanet 234, MedGen C0022350, MONDO:0009380, OMIM 237500.

Submissions (2):

3billion
Classification: Uncertain significance for Dubin-Johnson syndrome. Last evaluated: 2023-02-23. Review status: criteria provided, single submitter. Criteria: ACMG Guidelines, 2015. Collection method: clinical testing. Allele origin: unknown. Affected: yes.
Comment: The variant is not observed in the gnomAD v2.1.1 dataset. Protein truncation variants are a common disease-causing mechanism. In silico tool predictions suggest damaging effect of the variant on gene or gene product (REVEL: 0.98; 3Cnet: 0.65). Therefore, this variant is classified as VUS according to the recommendation of ACMG/AMP guideline.

PreventionGenetics, part of Exact Sciences
Classification: Uncertain significance for ABCC2-related condition. Last evaluated: 2024-08-07. Review status: no assertion criteria provided. Collection method: clinical testing. Allele origin: germline. Not counted in ClinVar's aggregate classification.
Comment: The ABCC2 c.2312T>C variant is predicted to result in the amino acid substitution p.Leu771Pro. To our knowledge, this variant has not been reported in the literature or in a large population database, indicating this variant is rare. At this time, the clinical significance of this variant is uncertain due to the absence of conclusive functional and genetic evidence.

NM_000392.5(ABCC2):c.2312T>C (p.Leu771Pro)

Gene: ABCC2 (ATP binding cassette subfamily C member 2; plus strand). Cytogenetic location: 10q24.2.
Variant type: single nucleotide variant.
Coding change: c.2312T>C on transcript NM_000392.5 (MANE Select); coding-DNA position 2312, T replaced by C.
Protein change: p.Leu771Pro; replaces leucine 771 with proline.
Molecular consequence: missense variant.
Genome position (GRCh38, 1-based): chr10:99,818,830, T>C. VCF-style: chr10-99818830-T-C. GRCh37 (hg19) VCF-style: chr10-101578587-T-C.
Other names: c.2312T>C (NM_000392.4); short protein forms L771P.
Identifiers: ClinVar variation 2444382 (VCV002444382.2), dbSNP rs2492964897, ClinGen allele CA378117666.
Genomic context (GRCh38, chr10:99,818,830, plus strand): 5'-TGAATTATTTTCTTCTTCAGGGTATAAATCTTAGTGGGGGTCAGAAGCAGCGGATCAGCC[T>C]GGCCAGAGCTACCTACCAAAATTTAGACATCTATCTTCTAGATGACCCCCTGTCTGCAGT-3'
Protein context (NP_000383.2, residues 761-781): LSGGQKQRIS[Leu771Pro]ARATYQNLDI